The following is an entry in ClinVar:

NM_001008212.2(OPTN):c.295G>T (p.Ala99Ser)

Genes: OPTN (optineurin; plus strand), LOC108903148 (10p13 OPTN distal Alu-mediated recombination region; plus strand). Cytogenetic location: 10p13.
Variant type: single nucleotide variant.
Coding change: c.295G>T on transcript NM_001008212.2 (MANE Select); coding-DNA position 295, G replaced by T.
Protein change: p.Ala99Ser; replaces alanine 99 with serine.
Molecular consequence: missense variant.
Genome position (GRCh38, 1-based): chr10:13,110,402, G>T. VCF-style: chr10-13110402-G-T. GRCh37 (hg19) VCF-style: chr10-13152402-G-T.
Other names: c.295G>T, p.Ala99Ser (NM_001008211.1, NM_001008213.1, NM_021980.4); short protein forms A99S.
Identifiers: ClinVar variation 1798158 (VCV001798158.6), dbSNP rs776138037, ClinGen allele CA5410557.

ClinVar aggregate classification (germline): Uncertain significance. Review status: criteria provided, multiple submitters, no conflicts (2 of 4 stars). 2 submissions from 2 submitters: Uncertain significance (2). Last evaluated 2025-04-05.

Conditions:
Glaucoma 1, open angle, E. Identifiers: MedGen C1842026, MONDO:0007665.
Primary open angle glaucoma (POAG). Also called: OPTN-related open angle glaucoma. Identifiers: MedGen C0339573, MONDO:0100553, OMIM 137760.
Amyotrophic lateral sclerosis type 12 (ALS12). Also called: AMYOTROPHIC LATERAL SCLEROSIS 12 WITH OR WITHOUT FRONTOTEMPORAL DEMENTIA. Identifiers: Orphanet 803, MedGen C3150692, MONDO:0013264, OMIM 613435.
Inborn genetic diseases. Identifiers: MedGen C0950123, MeSH D030342.

Allele frequency attached by ClinVar (database versions not stated): ExAC 0.00002; TOPMed 0.00005; gnomAD 0.00008.
gnomAD v4.1: 24 of 1,613,992 alleles (0.0015%); highest among the groups gnomAD compares: African/African-American, 0.031%; no homozygotes.

Submissions (2):

Labcorp Genetics (formerly Invitae), Labcorp
Classification: Uncertain significance for Primary open angle glaucoma; Glaucoma 1, open angle, E; Amyotrophic lateral sclerosis type 12. Last evaluated: 2025-04-05. Review status: criteria provided, single submitter. Criteria: Invitae Variant Classification Sherloc (09022015). Collection method: clinical testing. Allele origin: germline.
Comment: This sequence change replaces alanine, which is neutral and non-polar, with serine, which is neutral and polar, at codon 99 of the OPTN protein (p.Ala99Ser). This variant is present in population databases (rs776138037, gnomAD 0.05%). This variant has not been reported in the literature in individuals affected with OPTN-related conditions. ClinVar contains an entry for this variant (Variation ID: 1798158). Invitae Evidence Modeling of protein sequence and biophysical properties (such as structural, functional, and spatial information, amino acid conservation, physicochemical variation, residue mobility, and thermodynamic stability) indicates that this missense variant is not expected to disrupt OPTN protein function with a negative predictive value of 80%. In summary, the available evidence is currently insufficient to determine the role of this variant in disease. Therefore, it has been classified as a Variant of Uncertain Significance.

Ambry Genetics
Classification: Uncertain significance for Inborn genetic diseases. Last evaluated: 2024-04-08. Review status: criteria provided, single submitter. Criteria: Ambry Variant Classification Scheme 2023. Collection method: clinical testing. Allele origin: germline.